The following is an entry in ClinVar:

NM_003079.5(SMARCE1):c.1095G>C (p.Glu365Asp)

Gene: SMARCE1 (SWI/SNF related BAF chromatin remodeling complex subunit E1; minus strand). Cytogenetic location: 17q21.2.
Variant type: single nucleotide variant.
Coding change: c.1095G>C on transcript NM_003079.5 (MANE Select); coding-DNA position 1095, G replaced by C.
Protein change: p.Glu365Asp; replaces glutamic acid 365 with aspartic acid.
Molecular consequence: missense variant.
Genome position (GRCh38, 1-based): chr17:40,628,926, C>G on the plus strand (G>C on the coding strand, the complement: SMARCE1 is on the minus strand). VCF-style: chr17-40628926-C-G. GRCh37 (hg19) VCF-style: chr17-38785178-C-G.
Other names: short protein forms E365D.
Identifiers: ClinVar variation 407068 (VCV000407068.16), dbSNP rs773859296, ClinGen allele CA8545063.
Genomic context (GRCh38, chr17:40,628,926, plus strand): 5'-ACTATCACTGGTTCCTTCCTCTGCCATACTGTCGACCCCCTCCTGCCCACTCTCCTTGTC[C>G]TCAGGAGTAGACGTGCCTTCTTCACCATTCTGTTGGCTCTCTGTTGTTTCTTCAAGGTGT-3'
Protein context (NP_003070.3, residues 355-375): QNGEEGTSTP[Glu365Asp]DKESGQEGVD

ClinVar aggregate classification (germline): Conflicting classifications of pathogenicity. Review status: criteria provided, conflicting classifications (1 of 4 stars). 4 submissions from 4 submitters: Uncertain significance (2); Likely benign (1). 1 of the submissions does not count toward it. Last evaluated 2026-01-10.

Conditions:
SMARCE1-related disorder. Also called: SMARCE1-related condition.
Hereditary cancer-predisposing syndrome. Also called: Hereditary Cancer Syndrome; Hereditary neoplastic syndrome; Neoplastic Syndromes, Hereditary; Tumor predisposition. Identifiers: Orphanet 140162, MedGen C0027672, MeSH D009386, MONDO:0015356.
Familial meningioma. Also called: Meningioma, familial, susceptibility to. Identifiers: Orphanet 263662, MedGen C3551915, MONDO:0011789, OMIM 607174.

Allele frequency attached by ClinVar (database versions not stated): gnomAD exomes below 0.00001 and 0.00002; gnomAD 0.00005; TOPMed 0.00005.
gnomAD v4.1: 12 of 1,613,644 alleles (0.00074%); highest among the groups gnomAD compares: African/African-American, 0.015%; no homozygotes.

Submissions (4):

Labcorp Genetics (formerly Invitae), Labcorp
Classification: Uncertain significance for Familial meningioma. Last evaluated: 2026-01-10. Review status: criteria provided, single submitter. Criteria: Invitae Variant Classification Sherloc (09022015). Collection method: clinical testing. Allele origin: germline.
Comment: This sequence change replaces glutamic acid, which is acidic and polar, with aspartic acid, which is acidic and polar, at codon 365 of the SMARCE1 protein (p.Glu365Asp). This variant is present in population databases (rs773859296, gnomAD 0.02%). This variant has not been reported in the literature in individuals affected with SMARCE1-related conditions. ClinVar contains an entry for this variant (Variation ID: 407068). Invitae Evidence Modeling of protein sequence and biophysical properties (such as structural, functional, and spatial information, amino acid conservation, physicochemical variation, residue mobility, and thermodynamic stability) indicates that this missense variant is not expected to disrupt SMARCE1 protein function with a negative predictive value of 80%. In summary, the available evidence is currently insufficient to determine the role of this variant in disease. Therefore, it has been classified as a Variant of Uncertain Significance.

Baylor Genetics
Classification: Uncertain significance for Familial meningioma. Last evaluated: 2023-08-13. Review status: criteria provided, single submitter. Criteria: ACMG Guidelines, 2015. Collection method: clinical testing. Allele origin: unknown.

Ambry Genetics
Classification: Likely benign for Hereditary cancer-predisposing syndrome. Last evaluated: 2022-11-28. Review status: criteria provided, single submitter. Criteria: Ambry Variant Classification Scheme 2023. Collection method: clinical testing. Allele origin: germline.

PreventionGenetics, part of Exact Sciences
Classification: Uncertain significance for SMARCE1-related condition. Last evaluated: 2023-12-04. Review status: no assertion criteria provided. Collection method: clinical testing. Allele origin: germline. Not counted in ClinVar's aggregate classification.
Comment: The SMARCE1 c.1095G>C variant is predicted to result in the amino acid substitution p.Glu365Asp. To our knowledge, this variant has not been reported in the literature. This variant is reported in 0.018% of alleles in individuals of African descent in gnomAD. At this time, the clinical significance of this variant is uncertain due to the absence of conclusive functional and genetic evidence.